The following is an entry in ClinVar:

ClinVar aggregate classification (germline): Pathogenic (1 of 4 stars; one submission).

Submission:

Labcorp Genetics (formerly Invitae), Labcorp
Classification: Pathogenic. Last evaluated: 2022-07-22. Review status: criteria provided, single submitter. Criteria: Invitae Variant Classification Sherloc (09022015). Collection method: clinical testing. Allele origin: germline.
Comment: For these reasons, this variant has been classified as Pathogenic. This variant has not been reported in the literature in individuals affected with LRPPRC-related conditions. This variant is not present in population databases (gnomAD no frequency). This sequence change creates a premature translational stop signal (p.Gln1085*) in the LRPPRC gene. It is expected to result in an absent or disrupted protein product. Loss-of-function variants in LRPPRC are known to be pathogenic (PMID: 26510951).

Literature cited by the submitters: PubMed 26510951.

NM_133259.4(LRPPRC):c.3253C>T (p.Gln1085Ter)

Gene: LRPPRC (leucine rich pentatricopeptide repeat containing; minus strand). Cytogenetic location: 2p21.
Variant type: single nucleotide variant.
Coding change: c.3253C>T on transcript NM_133259.4 (MANE Select); coding-DNA position 3253, C replaced by T.
Protein change: p.Gln1085Ter; replaces glutamine 1085 with a stop codon.
Molecular consequence: nonsense.
Genome position (GRCh38, 1-based): chr2:43,912,454, G>A on the plus strand (C>T on the coding strand, the complement: LRPPRC is on the minus strand). VCF-style: chr2-43912454-G-A. GRCh37 (hg19) VCF-style: chr2-44139593-G-A.
Other names: short protein forms Q1085*.
Identifiers: ClinVar variation 1956664 (VCV001956664.5), dbSNP rs2466424047, ClinGen allele CA346667103.